The following is an entry in ClinVar:

ClinVar aggregate classification (germline): Uncertain significance. Review status: criteria provided, multiple submitters, no conflicts (2 of 4 stars). 2 submissions from 2 submitters: Uncertain significance (2). Last evaluated 2025-12-30.

Allele frequency attached by ClinVar (database versions not stated): TOPMed below 0.00001; ExAC 0.00001; gnomAD 0.00001; gnomAD exomes 0.00001.
gnomAD v4.1: 20 of 1,614,030 alleles (0.0012%); highest among the groups gnomAD compares: South Asian, 0.0077%; no homozygotes.

Submissions (2):

Women's Health and Genetics/Laboratory Corporation of America, LabCorp
Classification: Uncertain significance. Last evaluated: 2025-12-30. Review status: criteria provided, single submitter. Criteria: LabCorp Variant Classification Summary - May 2015. Collection method: clinical testing. Allele origin: germline.
Comment: Variant summary: ALPL c.148G>A (p.Val50Met) results in a conservative amino acid change in the encoded protein sequence. Algorithms developed to predict the effect of missense changes on protein structure and function are either unavailable or do not agree on the potential impact of this missense change. The variant allele was found at a frequency of 1.2e-05 in 251416 control chromosomes. The available data on variant occurrences in the general population are insufficient to allow any conclusion about variant significance. To our knowledge, no occurrence of c.148G>A in individuals affected with ALPL-related conditions and no experimental evidence demonstrating its impact on protein function have been reported. ClinVar contains an entry for this variant (Variation ID: 1961998). Based on the evidence outlined above, the variant was classified as uncertain significance.

Labcorp Genetics (formerly Invitae), Labcorp
Classification: Uncertain significance. Last evaluated: 2025-03-13. Review status: criteria provided, single submitter. Criteria: Invitae Variant Classification Sherloc (09022015). Collection method: clinical testing. Allele origin: germline.
Comment: This sequence change replaces valine, which is neutral and non-polar, with methionine, which is neutral and non-polar, at codon 50 of the ALPL protein (p.Val50Met). This variant is present in population databases (rs767216554, gnomAD 0.006%). This variant has not been reported in the literature in individuals affected with ALPL-related conditions. ClinVar contains an entry for this variant (Variation ID: 1961998). Invitae Evidence Modeling of protein sequence and biophysical properties (such as structural, functional, and spatial information, amino acid conservation, physicochemical variation, residue mobility, and thermodynamic stability) indicates that this missense variant is expected to disrupt ALPL protein function with a positive predictive value of 95%. In summary, the available evidence is currently insufficient to determine the role of this variant in disease. Therefore, it has been classified as a Variant of Uncertain Significance.

NM_000478.6(ALPL):c.148G>A (p.Val50Met)

Gene: ALPL (alkaline phosphatase, biomineralization associated; plus strand). Cytogenetic location: 1p36.12.
Variant type: single nucleotide variant.
Coding change: c.148G>A on transcript NM_000478.6 (MANE Select); coding-DNA position 148, G replaced by A.
Protein change: p.Val50Met; replaces valine 50 with methionine.
Molecular consequence: missense variant. On other transcripts: 5 prime UTR variant (1), synonymous variant (1).
Genome position (GRCh38, 1-based): chr1:21,560,712, G>A. VCF-style: chr1-21560712-G-A. GRCh37 (hg19) VCF-style: chr1-21887205-G-A.
Other names: c.-18G>A (NM_001127501.4); c.33G>A, p.Thr11= (NM_001177520.3); c.148G>A, p.Val50Met (NM_001369803.2, NM_001369804.2, NM_001369805.2); short protein forms V50M.
Identifiers: ClinVar variation 1961998 (VCV001961998.4), dbSNP rs767216554, ClinGen allele CA666406.